The following is an entry in ClinVar:

ClinVar aggregate classification (germline): Uncertain significance (1 of 4 stars; one submission).

Allele frequency attached by ClinVar (database versions not stated): gnomAD exomes 0.00001; TOPMed below 0.00001; ExAC 0.00001.
gnomAD v4.1: 14 of 1,608,836 alleles (0.00087%); highest among the groups gnomAD compares: South Asian, 0.0089%; no homozygotes.

Submission:

Labcorp Genetics (formerly Invitae), Labcorp
Classification: Uncertain significance. Last evaluated: 2025-05-05. Review status: criteria provided, single submitter. Criteria: Invitae Variant Classification Sherloc (09022015). Collection method: clinical testing. Allele origin: germline.
Comment: This sequence change replaces proline, which is neutral and non-polar, with alanine, which is neutral and non-polar, at codon 1738 of the HSPG2 protein (p.Pro1738Ala). This variant is present in population databases (rs762267177, gnomAD 0.007%). This variant has not been reported in the literature in individuals affected with HSPG2-related conditions. ClinVar contains an entry for this variant (Variation ID: 1359979). An algorithm developed to predict the effect of missense changes on protein structure and function (PolyPhen-2) suggests that this variant is likely to be tolerated. In summary, the available evidence is currently insufficient to determine the role of this variant in disease. Therefore, it has been classified as a Variant of Uncertain Significance.

NM_005529.7(HSPG2):c.5212C>G (p.Pro1738Ala)

Gene: HSPG2 (heparan sulfate proteoglycan 2; minus strand). Cytogenetic location: 1p36.12.
Variant type: single nucleotide variant.
Coding change: c.5212C>G on transcript NM_005529.7 (MANE Select); coding-DNA position 5212, C replaced by G.
Protein change: p.Pro1738Ala; replaces proline 1738 with alanine.
Molecular consequence: missense variant.
Genome position (GRCh38, 1-based): chr1:21,859,647, G>C on the plus strand (C>G on the coding strand, the complement: HSPG2 is on the minus strand). VCF-style: chr1-21859647-G-C. GRCh37 (hg19) VCF-style: chr1-22186140-G-C.
Other names: c.5215C>G, p.Pro1739Ala (NM_001291860.2); short protein forms P1738A, P1739A.
Identifiers: ClinVar variation 1359979 (VCV001359979.8), dbSNP rs762267177, ClinGen allele CA672012.
Genomic context (GRCh38, chr1:21,859,647, plus strand): 5'-GGCTGGTATTGGATTGGTGGAGATTACGGCAGGTGCAAATGTAGACCCCAGCATCCGAGG[G>C]CTGGACGCTGGGGAAGTGGAGCTCGGAGCCTGGTGGGGAGGAGACAAGAGCTTGTTGGTG-3'
Protein context (NP_005520.4, residues 1728-1748): GSELHFPSVQ[Pro1738Ala]SDAGVYICTC